The following is an entry in ClinVar:

ClinVar aggregate classification (germline): Pathogenic. Review status: criteria provided, multiple submitters, no conflicts (2 of 4 stars). 7 submissions from 7 submitters: Pathogenic (5). 2 of the submissions do not count toward it. Last evaluated 2025-03-10.

Conditions:
Fanconi anemia (FA). Also called: Fanconi's anemia. Identifiers: Orphanet 84, MedGen C0015625, MeSH D005199, MONDO:0019391.
Fanconi anemia complementation group A (FANCA). Also called: Fanconi anemia, group A; FANCA-Related Fanconi Anemia. Identifiers: Orphanet 84, MedGen C3469521, MONDO:0009215, OMIM 227650.

Allele frequency attached by ClinVar (database versions not stated): gnomAD 0.00001.

Submissions (7):

Labcorp Genetics (formerly Invitae), Labcorp
Classification: Pathogenic for Fanconi anemia. Last evaluated: 2025-03-10. Review status: criteria provided, single submitter. Criteria: Invitae Variant Classification Sherloc (09022015). Collection method: clinical testing. Allele origin: germline.
Comment: This sequence change creates a premature translational stop signal (p.His1272Thrfs*6) in the FANCA gene. It is expected to result in an absent or disrupted protein product. Loss-of-function variants in FANCA are known to be pathogenic (PMID: 19367192). This variant is not present in population databases (gnomAD no frequency). This premature translational stop signal has been observed in individual(s) with fanconi anemia (PMID: 15643609, 29098742). ClinVar contains an entry for this variant (Variation ID: 556740). For these reasons, this variant has been classified as Pathogenic.

Natera, Inc.
Classification: Pathogenic for Fanconi anemia. Last evaluated: 2024-12-30. Review status: criteria provided, single submitter. Criteria: Natera Variant Classification Schema (03/2026). Collection method: clinical testing. Allele origin: germline.
Comment: The c.3813dup variant in FANCA is a frameshift variant predicted to shift the reading frame beginning at codon 1272 and leads to a stop codon 6 codons downstream. This variant is expected to result in nonsense mediated decay, truncation, or a dysfunctional protein product. This variant is rare in the general population with a frequency below the threshold expected for the associated phenotype(s). This variant has been observed in one or more individuals affected with the associated recessive disease, as either homozygous or compound heterozygous with a second variant (PMID: 29098742). Given the available evidence, this variant is classified as Pathogenic.

GeneDx
Classification: Pathogenic. Last evaluated: 2024-04-02. Review status: criteria provided, single submitter. Criteria: GeneDx Variant Classification Process June 2021. Collection method: clinical testing. Allele origin: germline. Affected: yes.
Comment: Frameshift variant predicted to result in protein truncation or nonsense mediated decay in a gene for which loss of function is a known mechanism of disease; Not observed at significant frequency in large population cohorts (gnomAD); This variant is associated with the following publications: (PMID: 35417938, 15643609, 29098742)

Baylor Genetics
Classification: Pathogenic for Fanconi anemia complementation group A. Last evaluated: 2024-03-20. Review status: criteria provided, single submitter. Criteria: ACMG Guidelines, 2015. Collection method: clinical testing. Allele origin: unknown.

Fulgent Genetics
Classification: Pathogenic for Fanconi anemia complementation group A. Last evaluated: 2021-09-09. Review status: criteria provided, single submitter. Criteria: ACMG Guidelines, 2015. Collection method: clinical testing. Allele origin: unknown.

Leiden Open Variation Database
Classification: Pathogenic for Fanconi anemia complementation group A. Last evaluated: 2020-02-28. Review status: no assertion criteria provided. Collection method: curation. Allele origin: germline. Affected: yes. Not counted in ClinVar's aggregate classification.
Comment: Curator: Arleen D. Auerbach. Submitter to LOVD: Arleen D. Auerbach.

Counsyl
Classification: Pathogenic for Fanconi anemia complementation group A. Last evaluated: 2018-02-15. Review status: no assertion criteria provided. Collection method: clinical testing. Allele origin: unknown. Not counted in ClinVar's aggregate classification.

Literature cited by the submitters: PubMed 19367192 (cited by Labcorp Genetics (formerly Invitae), Labcorp); PubMed 15643609 (cited by Labcorp Genetics (formerly Invitae), Labcorp and Counsyl); PubMed 29098742 (cited by 3 submitters).

NM_000135.4(FANCA):c.3813dup (p.His1272fs)

Genes: FANCA (FA complementation group A; minus strand), ZNF276 (zinc finger protein 276; plus strand). Cytogenetic location: 16q24.3.
Variant type: Duplication.
Coding change: c.3813dup on transcript NM_000135.4 (MANE Select); coding-DNA position 3813, one base duplicated (A; older notation c.3813dupA).
Protein change: p.His1272fs; shifts the reading frame from histidine 1272.
Molecular consequence: frameshift variant. On other transcripts: 3 prime UTR variant (2), non-coding transcript variant (4).
Genome position (GRCh38, 1-based): chr16:89,740,819, T duplicated on the plus strand (A on the coding strand, the reverse complement: FANCA is on the minus strand). VCF-style (leftmost placement, unchanged base first): chr16-89740818-G-GT. GRCh37 (hg19) VCF-style: chr16-89807226-G-GT.
Other names: NM_000135.2:c.3813dup; c.3813dupA (NM_000135.2); c.3813dup, p.His1272fs (NM_001286167.3); c.*2573dup (NM_001113525.2, NM_152287.4); c.3813dup (NM_000135.3); short protein forms H1272fs.
Identifiers: ClinVar variation 556740 (VCV000556740.16), dbSNP rs1555534521, ClinGen allele CA497194476.